The following is an entry in ClinVar:

NM_152743.4(BRAT1):c.1490T>A (p.Phe497Tyr)

Gene: BRAT1 (BRCA1 associated ATM activator 1; minus strand). Cytogenetic location: 7p22.3.
Variant type: single nucleotide variant.
Coding change: c.1490T>A on transcript NM_152743.4 (MANE Select); coding-DNA position 1490, T replaced by A.
Protein change: p.Phe497Tyr; replaces phenylalanine 497 with tyrosine.
Molecular consequence: missense variant. On other transcripts: non-coding transcript variant (1).
Genome position (GRCh38, 1-based): chr7:2,539,794, A>T on the plus strand (T>A on the coding strand, the complement: BRAT1 is on the minus strand). VCF-style: chr7-2539794-A-T. GRCh37 (hg19) VCF-style: chr7-2579428-A-T.
Other names: c.1490T>A, p.Phe497Tyr (NM_001350626.2); c.965T>A, p.Phe322Tyr (NM_001350627.2); short protein forms F322Y, F497Y.
Identifiers: ClinVar variation 2092684 (VCV002092684.4), dbSNP rs770243304, ClinGen allele CA366628049.

ClinVar aggregate classification (germline): Uncertain significance (1 of 4 stars; one submission).

Conditions:
Neonatal-onset encephalopathy with rigidity and seizures. Also called: Lethal neonatal spasticity-epileptic encephalopathy syndrome. Identifiers: Orphanet 435845, MedGen C3281029, MONDO:0013784, OMIM 614498.

Submission:

Labcorp Genetics (formerly Invitae), Labcorp
Classification: Uncertain significance for Neonatal-onset encephalopathy with rigidity and seizures. Last evaluated: 2022-02-04. Review status: criteria provided, single submitter. Criteria: Invitae Variant Classification Sherloc (09022015). Collection method: clinical testing. Allele origin: germline.
Comment: In summary, the available evidence is currently insufficient to determine the role of this variant in disease. Therefore, it has been classified as a Variant of Uncertain Significance. Algorithms developed to predict the effect of missense changes on protein structure and function are either unavailable or do not agree on the potential impact of this missense change (SIFT: "Deleterious"; PolyPhen-2: "Probably Damaging"; Align-GVGD: "Class C0"). This variant has not been reported in the literature in individuals affected with BRAT1-related conditions. This variant is not present in population databases (gnomAD no frequency). This sequence change replaces phenylalanine, which is neutral and non-polar, with tyrosine, which is neutral and polar, at codon 497 of the BRAT1 protein (p.Phe497Tyr).